The following is an entry in ClinVar:

ClinVar aggregate classification (germline): Uncertain significance. Review status: criteria provided, multiple submitters, no conflicts (2 of 4 stars). 2 submissions from 2 submitters: Uncertain significance (2). Last evaluated 2025-05-19.

Conditions:
Inborn genetic diseases. Identifiers: MedGen C0950123, MeSH D030342.
Peroxisome biogenesis disorder 2B (PBD2B). Identifiers: Orphanet 44, MedGen C3550234, MONDO:0008736, OMIM 202370.

Allele frequency attached by ClinVar (database versions not stated): TOPMed 0.00001; gnomAD exomes 0.00002; ExAC 0.00001.
gnomAD v4.1: 6 of 1,614,136 alleles (0.00037%); highest among the groups gnomAD compares: East Asian, 0.013%; no homozygotes.

Submissions (2):

Ambry Genetics
Classification: Uncertain significance for Inborn genetic diseases. Last evaluated: 2025-05-19. Review status: criteria provided, single submitter. Criteria: Ambry Variant Classification Scheme 2023. Collection method: clinical testing. Allele origin: germline.

Labcorp Genetics (formerly Invitae), Labcorp
Classification: Uncertain significance for Peroxisome biogenesis disorder 2B. Last evaluated: 2021-08-14. Review status: criteria provided, single submitter. Criteria: Invitae Variant Classification Sherloc (09022015). Collection method: clinical testing. Allele origin: germline.
Comment: This sequence change replaces alanine with proline at codon 240 of the PEX5 protein (p.Ala240Pro). The alanine residue is moderately conserved and there is a small physicochemical difference between alanine and proline. This variant is present in population databases (rs778767381, ExAC 0.01%). This variant has not been reported in the literature in individuals affected with PEX5-related conditions. Algorithms developed to predict the effect of missense changes on protein structure and function are either unavailable or do not agree on the potential impact of this missense change (SIFT: "Tolerated"; PolyPhen-2: "Probably Damaging"; Align-GVGD: "Class C0"). In summary, the available evidence is currently insufficient to determine the role of this variant in disease. Therefore, it has been classified as a Variant of Uncertain Significance.

NM_001351132.2(PEX5):c.718G>C (p.Ala240Pro)

Gene: PEX5 (peroxisomal biogenesis factor 5; plus strand). Cytogenetic location: 12p13.31.
Variant type: single nucleotide variant.
Coding change: c.718G>C on transcript NM_001351132.2 (MANE Select); coding-DNA position 718, G replaced by C.
Protein change: p.Ala240Pro; replaces alanine 240 with proline.
Molecular consequence: missense variant. On other transcripts: intron variant (15).
Genome position (GRCh38, 1-based): chr12:7,202,316, G>C. VCF-style: chr12-7202316-G-C. GRCh37 (hg19) VCF-style: chr12-7354912-G-C.
Other names: c.718G>C, p.Ala240Pro (NM_000319.5, NM_001131025.2, NM_001131026.2 and 6 more transcripts); c.763G>C, p.Ala255Pro (NM_001131023.2); c.643-296G>C (NM_001351124.3, NM_001351126.2, NM_001374646.1 and 10 more transcripts); c.688-296G>C (NM_001351135.3, NM_001351138.2); c.718G>C (NM_001131025.1); short protein forms A255P, A240P.
Identifiers: ClinVar variation 1365001 (VCV001365001.6), dbSNP rs778767381, ClinGen allele CA6426247.